The following is an entry in ClinVar:

NM_001367561.1(DOCK7):c.2230G>T (p.Val744Phe)

Gene: DOCK7 (dedicator of cytokinesis 7; minus strand). Cytogenetic location: 1p31.3.
Variant type: single nucleotide variant.
Coding change: c.2230G>T on transcript NM_001367561.1 (MANE Select); coding-DNA position 2230, G replaced by T.
Protein change: p.Val744Phe; replaces valine 744 with phenylalanine.
Molecular consequence: missense variant.
Genome position (GRCh38, 1-based): chr1:62,559,190, C>A on the plus strand (G>T on the coding strand, the complement: DOCK7 is on the minus strand). VCF-style: chr1-62559190-C-A. GRCh37 (hg19) VCF-style: chr1-63024861-C-A.
Other names: c.2230G>T, p.Val744Phe (NM_001271999.2, NM_001272000.2, NM_001272001.2 and 2 more transcripts); c.2230G>T (NM_033407.2); short protein forms V744F.
Identifiers: ClinVar variation 1444508 (VCV001444508.7), dbSNP rs1646241217, ClinGen allele CA340627423.

ClinVar aggregate classification (germline): Uncertain significance. Review status: criteria provided, multiple submitters, no conflicts (2 of 4 stars). 2 submissions from 2 submitters: Uncertain significance (2). Last evaluated 2025-03-25.

Conditions:
Developmental and epileptic encephalopathy, 23 (DEE23). Also called: Epileptic encephalopathy, early infantile, 23. Identifiers: Orphanet 411986, MedGen C4014492, MONDO:0014371, OMIM 615859.
Inborn genetic diseases. Identifiers: MedGen C0950123, MeSH D030342.

Allele frequency attached by ClinVar (database versions not stated): TOPMed below 0.00001; gnomAD 0.00001.

Submissions (2):

Ambry Genetics
Classification: Uncertain significance for Inborn genetic diseases. Last evaluated: 2025-03-25. Review status: criteria provided, single submitter. Criteria: Ambry Variant Classification Scheme 2023. Collection method: clinical testing. Allele origin: germline.

Labcorp Genetics (formerly Invitae), Labcorp
Classification: Uncertain significance for Developmental and epileptic encephalopathy, 23. Last evaluated: 2021-02-21. Review status: criteria provided, single submitter. Criteria: Invitae Variant Classification Sherloc (09022015). Collection method: clinical testing. Allele origin: germline.
Comment: In summary, the available evidence is currently insufficient to determine the role of this variant in disease. Therefore, it has been classified as a Variant of Uncertain Significance. Algorithms developed to predict the effect of missense changes on protein structure and function are either unavailable or do not agree on the potential impact of this missense change (SIFT: "Deleterious"; PolyPhen-2: "Possibly Damaging"; Align-GVGD: "Class C0"). This variant has not been reported in the literature in individuals with DOCK7-related conditions. This variant is not present in population databases (ExAC no frequency). This sequence change replaces valine with phenylalanine at codon 744 of the DOCK7 protein (p.Val744Phe). The valine residue is highly conserved and there is a small physicochemical difference between valine and phenylalanine.